The following is an entry in ClinVar:

NM_001379291.1(BRD4):c.799C>A (p.Pro267Thr)

Gene: BRD4 (bromodomain containing 4; minus strand). Cytogenetic location: 19p13.12.
Variant type: single nucleotide variant.
Coding change: c.799C>A on transcript NM_001379291.1 (MANE Select); coding-DNA position 799, C replaced by A.
Protein change: p.Pro267Thr; replaces proline 267 with threonine.
Molecular consequence: missense variant.
Genome position (GRCh38, 1-based): chr19:15,265,404, G>T on the plus strand (C>A on the coding strand, the complement: BRD4 is on the minus strand). VCF-style: chr19-15265404-G-T. GRCh37 (hg19) VCF-style: chr19-15376215-G-T.
Other names: c.799C>A, p.Pro267Thr (NM_001330384.2, NM_001379292.1, NM_014299.3 and 1 more transcripts); short protein forms P267T.
Identifiers: ClinVar variation 1981305 (VCV001981305.4), dbSNP rs1568388728, ClinGen allele CA404484937.

ClinVar aggregate classification (germline): Uncertain significance (1 of 4 stars; one submission).

Submission:

Labcorp Genetics (formerly Invitae), Labcorp
Classification: Uncertain significance. Last evaluated: 2022-04-21. Review status: criteria provided, single submitter. Criteria: Invitae Variant Classification Sherloc (09022015). Collection method: clinical testing. Allele origin: germline.
Comment: This sequence change replaces proline, which is neutral and non-polar, with threonine, which is neutral and polar, at codon 267 of the BRD4 protein (p.Pro267Thr). This variant is not present in population databases (gnomAD no frequency). This variant has not been reported in the literature in individuals affected with BRD4-related conditions. Algorithms developed to predict the effect of missense changes on protein structure and function are either unavailable or do not agree on the potential impact of this missense change (SIFT: "Deleterious"; PolyPhen-2: "Not Available"; Align-GVGD: "Class C35"). In summary, the available evidence is currently insufficient to determine the role of this variant in disease. Therefore, it has been classified as a Variant of Uncertain Significance.